The following is an entry in ClinVar:

NM_138713.4(NFAT5):c.3598T>C (p.Phe1200Leu)

Gene: NFAT5 (nuclear factor of activated T cells 5; plus strand). Cytogenetic location: 16q22.1.
Variant type: single nucleotide variant.
Coding change: c.3598T>C on transcript NM_138713.4 (MANE Select); coding-DNA position 3598, T replaced by C.
Protein change: p.Phe1200Leu; replaces phenylalanine 1200 with leucine.
Molecular consequence: missense variant.
Genome position (GRCh38, 1-based): chr16:69,693,423, T>C. VCF-style: chr16-69693423-T-C. GRCh37 (hg19) VCF-style: chr16-69727326-T-C.
Other names: c.3595T>C, p.Phe1199Leu (NM_001113178.3); c.2923T>C, p.Phe975Leu (NM_001367709.1); c.3544T>C, p.Phe1182Leu (NM_006599.4); c.3316T>C, p.Phe1106Leu (NM_138714.4, NM_173214.3, NM_173215.3); short protein forms F1199L, F1200L, F1106L, F975L, F1182L.
Identifiers: ClinVar variation 1483091 (VCV001483091.8), dbSNP rs2151722285, ClinGen allele CA396513359.

ClinVar aggregate classification (germline): Uncertain significance (1 of 4 stars; one submission).

Conditions:
Immunodeficiency. Identifiers: MedGen C0021051, MONDO:0021094, HP:0002721.

Submission:

Labcorp Genetics (formerly Invitae), Labcorp
Classification: Uncertain significance for Immunodeficiency. Last evaluated: 2024-03-07. Review status: criteria provided, single submitter. Criteria: Invitae Variant Classification Sherloc (09022015). Collection method: clinical testing. Allele origin: germline.
Comment: This sequence change replaces phenylalanine, which is neutral and non-polar, with leucine, which is neutral and non-polar, at codon 1106 of the NFAT5 protein (p.Phe1106Leu). This variant is not present in population databases (gnomAD no frequency). This variant has not been reported in the literature in individuals affected with NFAT5-related conditions. ClinVar contains an entry for this variant (Variation ID: 1483091). An algorithm developed to predict the effect of missense changes on protein structure and function (PolyPhen-2) suggests that this variant is likely to be disruptive. In summary, the available evidence is currently insufficient to determine the role of this variant in disease. Therefore, it has been classified as a Variant of Uncertain Significance.